The following is an entry in ClinVar:

NM_005618.4(DLL1):c.757T>C (p.Tyr253His)

Gene: DLL1 (delta like canonical Notch ligand 1; minus strand). Cytogenetic location: 6q27.
Variant type: single nucleotide variant.
Coding change: c.757T>C on transcript NM_005618.4 (MANE Select); coding-DNA position 757, T replaced by C.
Protein change: p.Tyr253His; replaces tyrosine 253 with histidine.
Molecular consequence: missense variant.
Genome position (GRCh38, 1-based): chr6:170,285,674, A>G on the plus strand (T>C on the coding strand, the complement: DLL1 is on the minus strand). VCF-style: chr6-170285674-A-G. GRCh37 (hg19) VCF-style: chr6-170594762-A-G.
Other names: short protein forms Y253H.
Identifiers: ClinVar variation 2663423 (VCV002663423.1), dbSNP rs2483352608, ClinGen allele CA366508827.
Genomic context (GRCh38, chr6:170,285,674, plus strand): 5'-GCCAGGGCTGCTGGCAGGTGCCATGGAGACAGCCTGGATAGCGGATACACTCGTCACAGT[A>G]CCGGCCCTGCCAGCCCACTCTGCACCTTGGAGAAAAGCAGAAGACTCAGATGGACGTTGA-3'
Protein context (NP_005609.3, residues 243-263): CKCRVGWQGR[Tyr253His]CDECIRYPGC

ClinVar aggregate classification (germline): Uncertain significance (1 of 4 stars; one submission).

Allele frequency attached by ClinVar (database versions not stated): gnomAD exomes 0.00001.
gnomAD v4.1: 7 of 1,614,022 alleles (0.00043%); highest among the groups gnomAD compares: Non-Finnish European, 0.00059%; no homozygotes.

Submission:

GeneDx
Classification: Uncertain significance. Last evaluated: 2023-05-03. Review status: criteria provided, single submitter. Criteria: GeneDx Variant Classification Process June 2021. Collection method: clinical testing. Allele origin: germline. Affected: yes.
Comment: Not observed at significant frequency in large population cohorts (gnomAD); In silico analysis supports that this missense variant has a deleterious effect on protein structure/function; Has not been previously published as pathogenic or benign to our knowledge